The following is an entry in ClinVar:

ClinVar aggregate classification (germline): Uncertain significance (1 of 4 stars; one submission).

Conditions:
Cardiovascular phenotype. Identifiers: MedGen CN230736.

Submission:

Ambry Genetics
Classification: Uncertain significance for Cardiovascular phenotype. Last evaluated: 2023-12-10. Review status: criteria provided, single submitter. Criteria: Ambry Variant Classification Scheme 2023. Collection method: clinical testing. Allele origin: germline.
Comment: The p.L112V variant (also known as c.334C>G), located in coding exon 3 of the SCN3B gene, results from a C to G substitution at nucleotide position 334. The leucine at codon 112 is replaced by valine, an amino acid with highly similar properties. This amino acid position is conserved. In addition, this alteration is predicted to be tolerated by in silico analysis. Since supporting evidence is limited at this time, the clinical significance of this alteration remains unclear.

NM_001040151.2(SCN3B):c.334C>G (p.Leu112Val)

Gene: SCN3B (sodium voltage-gated channel beta subunit 3; minus strand). Cytogenetic location: 11q24.1.
Variant type: single nucleotide variant.
Coding change: c.334C>G on transcript NM_001040151.2 (MANE Select); coding-DNA position 334, C replaced by G.
Protein change: p.Leu112Val; replaces leucine 112 with valine.
Molecular consequence: missense variant.
Genome position (GRCh38, 1-based): chr11:123,642,557, G>C on the plus strand (C>G on the coding strand, the complement: SCN3B is on the minus strand). VCF-style: chr11-123642557-G-C. GRCh37 (hg19) VCF-style: chr11-123513265-G-C.
Other names: c.334C>G, p.Leu112Val (NM_018400.4); short protein forms L112V.
Identifiers: ClinVar variation 3227129 (VCV003227129.1), dbSNP rs2497572659, ClinGen allele CA383071668.